The following is an entry in ClinVar:

NM_002471.4(MYH6):c.2161C>A (p.Arg721=)

Gene: MYH6 (myosin heavy chain 6; minus strand). Cytogenetic location: 14q11.2.
Variant type: single nucleotide variant.
Coding change: c.2161C>A on transcript NM_002471.4 (MANE Select); coding-DNA position 2161, C replaced by A.
Protein change: p.Arg721=; no amino-acid change (arginine 721 retained).
Molecular consequence: synonymous variant.
Genome position (GRCh38, 1-based): chr14:23,396,970, G>T on the plus strand (C>A on the coding strand, the complement: MYH6 is on the minus strand). VCF-style: chr14-23396970-G-T. GRCh37 (hg19) VCF-style: chr14-23866179-G-T.
Identifiers: ClinVar variation 3233496 (VCV003233496.2), dbSNP rs387906656, ClinGen allele CA485610287.
Genomic context (GRCh38, chr14:23,396,970, plus strand): 5'-AGGGCAGCCTGGCTCCCCCTGTTCTATGAGCTCTGGGGCACCCTCATACCCACCTCTGCC[G>T]GAAGTCCCCGTAGAGGATGCGGTTGGGGAAGCCCTTCCTGCAGATGCGGATGCCCTCCAG-3'
Protein context (NP_002462.2, residues 711-731): FPNRILYGDF[Arg721=]QRYRILNPVA

ClinVar aggregate classification (germline): Likely benign (1 of 4 stars; one submission).

Submission:

Women's Health and Genetics/Laboratory Corporation of America, LabCorp
Classification: Likely benign. Last evaluated: 2024-03-12. Review status: criteria provided, single submitter. Criteria: LabCorp Variant Classification Summary - May 2015. Collection method: clinical testing. Allele origin: germline.
Comment: Variant summary: MYH6 c.2161C>A results in a synonymous change. Consensus agreement among computation tools predict no significant impact on normal splicing. However, these predictions have yet to be confirmed by functional studies. The variant was absent in 251420 control chromosomes. The available data on variant occurrences in the general population are insufficient to allow any conclusion about variant significance. To our knowledge, no occurrence of c.2161C>A in individuals affected with Cardiomyopathy and no experimental evidence demonstrating its impact on protein function have been reported. No submitters have cited clinical-significance assessments for this variant to ClinVar. Based on the evidence outlined above, the variant was classified as likely benign.